The following is an entry in ClinVar:

ClinVar aggregate classification (germline): Uncertain significance (1 of 4 stars; one submission).

gnomAD v4.1: 11 of 1,613,992 alleles (0.00068%); highest among the groups gnomAD compares: African/African-American, 0.0013%; no homozygotes.

Submission:

Labcorp Genetics (formerly Invitae), Labcorp
Classification: Uncertain significance. Last evaluated: 2025-04-13. Review status: criteria provided, single submitter. Criteria: Invitae Variant Classification Sherloc (09022015). Collection method: clinical testing. Allele origin: germline.
Comment: This sequence change replaces proline, which is neutral and non-polar, with serine, which is neutral and polar, at codon 777 of the CSF2RB protein (p.Pro777Ser). This variant is present in population databases (rs369426735, gnomAD 0.002%). This variant has not been reported in the literature in individuals affected with CSF2RB-related conditions. ClinVar contains an entry for this variant (Variation ID: 2904536). Invitae Evidence Modeling of protein sequence and biophysical properties (such as structural, functional, and spatial information, amino acid conservation, physicochemical variation, residue mobility, and thermodynamic stability) indicates that this missense variant is not expected to disrupt CSF2RB protein function with a negative predictive value of 80%. In summary, the available evidence is currently insufficient to determine the role of this variant in disease. Therefore, it has been classified as a Variant of Uncertain Significance.

NM_000395.3(CSF2RB):c.2329C>T (p.Pro777Ser)

Gene: CSF2RB (colony stimulating factor 2 receptor subunit beta; plus strand). Cytogenetic location: 22q12.3.
Variant type: single nucleotide variant.
Coding change: c.2329C>T on transcript NM_000395.3 (MANE Select); coding-DNA position 2329, C replaced by T.
Protein change: p.Pro777Ser; replaces proline 777 with serine.
Molecular consequence: missense variant.
Genome position (GRCh38, 1-based): chr22:36,938,137, C>T. VCF-style: chr22-36938137-C-T. GRCh37 (hg19) VCF-style: chr22-37334179-C-T.
Other names: c.2347C>T, p.Pro783Ser (NM_001410827.1); short protein forms P777S, P783S.
Identifiers: ClinVar variation 2904536 (VCV002904536.3), dbSNP rs369426735, ClinGen allele CA10214093.